The following is an entry in ClinVar:

NM_178857.6(RP1L1):c.6411T>A (p.Ala2137=)

Gene: RP1L1 (RP1 like 1). Cytogenetic location: 8p23.1.
Variant type: single nucleotide variant.
Coding change: c.6411T>A on transcript NM_178857.6 (MANE Select); coding-DNA position 6411, T replaced by A.
Protein change: p.Ala2137=; no amino-acid change (alanine 2137 retained).
Molecular consequence: synonymous variant.
Genome position (GRCh38, 1-based): chr8:10,607,687, A>T on the plus strand (T>A on the coding strand, the complement: RP1L1 is on the minus strand). VCF-style: chr8-10607687-A-T. GRCh37 (hg19) VCF-style: chr8-10465197-A-T.
Identifiers: ClinVar variation 4533474 (VCV004533474.6).

ClinVar aggregate classification (germline): Likely benign (1 of 4 stars; one submission).

Submission:

CeGaT Center for Human Genetics Tuebingen
Classification: Likely benign. Last evaluated: 2025-10-01. Review status: criteria provided, single submitter. Criteria: CeGaT Center For Human Genetics Tuebingen Variant Classification Criteria Version 2. Collection method: clinical testing. Allele origin: germline. Affected: yes. Observed: 1 variant allele.
Comment: RP1L1: BP4, BP7